The following is an entry in ClinVar:

ClinVar aggregate classification (germline): Uncertain significance (1 of 4 stars; one submission).

Conditions:
Hereditary cancer-predisposing syndrome. Also called: Hereditary Cancer Syndrome; Tumor predisposition; Hereditary neoplastic syndrome; Neoplastic Syndromes, Hereditary. Identifiers: Orphanet 140162, MedGen C0027672, MeSH D009386, MONDO:0015356.

Submission:

Ambry Genetics
Classification: Uncertain significance for Hereditary cancer-predisposing syndrome. Last evaluated: 2024-06-10. Review status: criteria provided, single submitter. Criteria: Ambry Variant Classification Scheme 2023. Collection method: clinical testing. Allele origin: germline.
Comment: The p.P268L variant (also known as c.803C>T), located in coding exon 10 of the BAP1 gene, results from a C to T substitution at nucleotide position 803. The proline at codon 268 is replaced by leucine, an amino acid with similar properties. This amino acid position is conserved. In addition, the in silico prediction for this alteration is inconclusive. Based on the available evidence, the clinical significance of this variant remains unclear.

NM_004656.4(BAP1):c.803C>T (p.Pro268Leu)

Gene: BAP1 (BRCA1 associated deubiquitinase 1; minus strand). Cytogenetic location: 3p21.1.
Variant type: single nucleotide variant.
Coding change: c.803C>T on transcript NM_004656.4 (MANE Select); coding-DNA position 803, C replaced by T.
Protein change: p.Pro268Leu; replaces proline 268 with leucine.
Molecular consequence: missense variant.
Genome position (GRCh38, 1-based): chr3:52,405,893, G>A on the plus strand (C>T on the coding strand, the complement: BAP1 is on the minus strand). VCF-style: chr3-52405893-G-A. GRCh37 (hg19) VCF-style: chr3-52439909-G-A.
Other names: c.749C>T, p.Pro250Leu (NM_001410772.1); short protein forms P250L, P268L.
Identifiers: ClinVar variation 3260364 (VCV003260364.1).
Genomic context (GRCh38, chr3:52,405,893, plus strand): 5'-GCTGACTTGGACTCCTCAGGCAGCTGTGACTCTTGAGACTTGTGGGTCTGAATCAGCTCT[G>A]GCTGTGTTACTCTTATCAGCTAACAACAGAATCCAGGGCTCAGAGGAGAAAGGGTAGACC-3'
Protein context (NP_004647.1, residues 258-278): ALQQLIRVTQ[Pro268Leu]ELIQTHKSQE